The following is an entry in ClinVar:

NM_005204.4(MAP3K8):c.1358G>C (p.Gly453Ala)

Gene: MAP3K8 (mitogen-activated protein kinase kinase kinase 8; plus strand). Cytogenetic location: 10p11.23.
Variant type: single nucleotide variant.
Coding change: c.1358G>C on transcript NM_005204.4 (MANE Select); coding-DNA position 1358, G replaced by C.
Protein change: p.Gly453Ala; replaces glycine 453 with alanine.
Molecular consequence: missense variant.
Genome position (GRCh38, 1-based): chr10:30,460,790, G>C. VCF-style: chr10-30460790-G-C. GRCh37 (hg19) VCF-style: chr10-30749719-G-C.
Other names: c.1358G>C, p.Gly453Ala (NM_001244134.1, NM_001320961.2); short protein forms G453A.
Identifiers: ClinVar variation 2729805 (VCV002729805.3), dbSNP rs372679892, ClinGen allele CA5459932.

ClinVar aggregate classification (germline): Uncertain significance (1 of 4 stars; one submission).

Allele frequency attached by ClinVar (database versions not stated): gnomAD 0.00003; ExAC 0.00004; gnomAD exomes 0.00003; ESP Exome Variant Server 0.00008; TOPMed 0.00002.
gnomAD v4.1: 54 of 1,613,846 alleles (0.0033%); highest among the groups gnomAD compares: South Asian, 0.03%; 1 homozygote.

Submission:

Labcorp Genetics (formerly Invitae), Labcorp
Classification: Uncertain significance. Last evaluated: 2025-12-29. Review status: criteria provided, single submitter. Criteria: Invitae Variant Classification Sherloc (09022015). Collection method: clinical testing. Allele origin: germline.
Comment: This sequence change replaces glycine, which is neutral and non-polar, with alanine, which is neutral and non-polar, at codon 453 of the MAP3K8 protein (p.Gly453Ala). This variant is present in population databases (rs372679892, gnomAD 0.02%). This variant has not been reported in the literature in individuals affected with MAP3K8-related conditions. ClinVar contains an entry for this variant (Variation ID: 2729805). An algorithm developed to predict the effect of missense changes on protein structure and function (PolyPhen-2) suggests that this variant is likely to be disruptive. In summary, the available evidence is currently insufficient to determine the role of this variant in disease. Therefore, it has been classified as a Variant of Uncertain Significance.